The following is an entry in ClinVar:

ClinVar aggregate classification (germline): Pathogenic. Review status: criteria provided, multiple submitters, no conflicts (2 of 4 stars). 3 submissions from 3 submitters: Pathogenic (3). Last evaluated 2025-09-23.

Conditions:
Cerebral cavernous malformation (CCM). Also called: Cerebral cavernous hemangioma (type); Cerebral cavernous malformations; CAVERNOUS ANGIOMA, FAMILIAL; CAVERNOUS ANGIOMATOUS MALFORMATIONS; CEREBRAL CAPILLARY MALFORMATIONS; Cavernous Hemangioma of Brain. Identifiers: Orphanet 221061, MedGen C2919945, MONDO:0000820, OMIM 116860, HP:0033522.

Submissions (3):

Labcorp Genetics (formerly Invitae), Labcorp
Classification: Pathogenic for Cerebral cavernous malformation. Last evaluated: 2025-09-23. Review status: criteria provided, single submitter. Criteria: Invitae Variant Classification Sherloc (09022015). Collection method: clinical testing. Allele origin: germline.
Comment: This sequence change creates a premature translational stop signal (p.Phe234Aspfs*10) in the KRIT1 gene. It is expected to result in an absent or disrupted protein product. Loss-of-function variants in KRIT1 are known to be pathogenic (PMID: 10508515, 11222804, 12404106, 24689081). This variant is not present in population databases (gnomAD no frequency). This premature translational stop signal has been observed in individual(s) with cerebral cavernous malformation (PMID: 12854741). This variant is also known as 1441delGTTT. ClinVar contains an entry for this variant (Variation ID: 3381025). For these reasons, this variant has been classified as Pathogenic.

GeneDx
Classification: Pathogenic. Last evaluated: 2024-12-03. Review status: criteria provided, single submitter. Criteria: GeneDx Variant Classification Process June 2021. Collection method: clinical testing. Allele origin: germline. Affected: yes.
Comment: Frameshift variant predicted to result in protein truncation or nonsense mediated decay in a gene for which loss of function is a known mechanism of disease; Not observed at significant frequency in large population cohorts (gnomAD); This variant is associated with the following publications: (PMID: 12854741)

Mayo Clinic Laboratories, Mayo Clinic
Classification: Pathogenic. Last evaluated: 2023-08-08. Review status: criteria provided, single submitter. Criteria: ACMG Guidelines, 2015. Collection method: clinical testing. Allele origin: germline. Observed: 1 variant allele.
Comment: PP1, PM2, PVS1

Literature cited by the submitters: PubMed 10508515 (cited by Labcorp Genetics (formerly Invitae), Labcorp); PubMed 11222804 (cited by Labcorp Genetics (formerly Invitae), Labcorp); PubMed 12404106 (cited by Labcorp Genetics (formerly Invitae), Labcorp); PubMed 24689081 (cited by Labcorp Genetics (formerly Invitae), Labcorp); PubMed 12854741 (cited by Labcorp Genetics (formerly Invitae), Labcorp and Mayo Clinic Laboratories, Mayo Clinic).

NM_194454.3(KRIT1):c.700_703del (p.Phe234fs)

Gene: KRIT1 (KRIT1 ankyrin repeat containing; minus strand). Cytogenetic location: 7q21.2.
Variant type: Microsatellite.
Coding change: c.700_703del on transcript NM_194454.3 (MANE Select); coding-DNA positions 700 to 703, 4 bases deleted (TTTG; older notation c.700_703delTTTG).
Protein change: p.Phe234fs; shifts the reading frame from phenylalanine 234.
Molecular consequence: frameshift variant. On other transcripts: intron variant (1).
Genome position (GRCh38, 1-based): chr7:92,235,429-92,235,432, CAAA deleted on the plus strand (TTTG on the coding strand, the reverse complement: KRIT1 is on the minus strand); deleting any 4 consecutive bases within chr7:92,235,429-92,235,436 gives the same sequence; the c. name uses the placement nearest the transcript's 3' end. VCF-style (leftmost placement, unchanged base first): chr7-92235428-CCAAA-C. GRCh37 (hg19) VCF-style: chr7-91864742-CCAAA-C.
Other names: p.Phe234Aspfs*10; c.700_703del, p.Phe234fs (NM_001013406.2, NM_001350669.1, NM_001350670.1 and 29 more transcripts); c.15+102_15+105del (NM_001350671.1); short protein forms F234fs.
Identifiers: ClinVar variation 3381025 (VCV003381025.4).